The following is an entry in ClinVar:

NM_002500.5(NEUROD1):c.781C>G (p.Leu261Val)

Gene: NEUROD1 (neuronal differentiation 1; minus strand). Cytogenetic location: 2q31.3.
Variant type: single nucleotide variant.
Coding change: c.781C>G on transcript NM_002500.5 (MANE Select); coding-DNA position 781, C replaced by G.
Protein change: p.Leu261Val; replaces leucine 261 with valine.
Molecular consequence: missense variant.
Genome position (GRCh38, 1-based): chr2:181,678,080, G>C on the plus strand (C>G on the coding strand, the complement: NEUROD1 is on the minus strand). VCF-style: chr2-181678080-G-C. GRCh37 (hg19) VCF-style: chr2-182542807-G-C.
Other names: short protein forms L261V.
Identifiers: ClinVar variation 1966479 (VCV001966479.5), dbSNP rs968177372, ClinGen allele CA62111414.

ClinVar aggregate classification (germline): Uncertain significance (1 of 4 stars; one submission).

Allele frequency attached by ClinVar (database versions not stated): gnomAD exomes below 0.00001.
gnomAD v4.1: 1 of 1,614,250 alleles (0.000062%); highest among the groups gnomAD compares: Non-Finnish European, 0.000085%; no homozygotes.

Submission:

Labcorp Genetics (formerly Invitae), Labcorp
Classification: Uncertain significance. Last evaluated: 2022-08-30. Review status: criteria provided, single submitter. Criteria: Invitae Variant Classification Sherloc (09022015). Collection method: clinical testing. Allele origin: germline.
Comment: This variant is present in population databases (no rsID available, gnomAD 0.0009%). In summary, the available evidence is currently insufficient to determine the role of this variant in disease. Therefore, it has been classified as a Variant of Uncertain Significance. Algorithms developed to predict the effect of missense changes on protein structure and function (SIFT, PolyPhen-2, Align-GVGD) all suggest that this variant is likely to be tolerated. This variant has not been reported in the literature in individuals affected with NEUROD1-related conditions. This sequence change replaces leucine, which is neutral and non-polar, with valine, which is neutral and non-polar, at codon 261 of the NEUROD1 protein (p.Leu261Val).